The following is an entry in ClinVar:

ClinVar aggregate classification (germline): Uncertain significance (1 of 4 stars; one submission).

Conditions:
Progressive sclerosing poliodystrophy (MTDPS4A). Also called: Alpers-Huttenlocher Syndrome (AHS); ALPERS PROGRESSIVE INFANTILE POLIODYSTROPHY; Mitochondrial DNA Depletion Syndrome 4A; Mitochondrial DNA depletion syndrome 4A (Alpers type); NEURONAL DEGENERATION OF CHILDHOOD WITH LIVER DISEASE, PROGRESSIVE; Alpers Syndrome. Identifiers: Orphanet 726, MedGen C0205710, MONDO:0008758, OMIM 203700.

Submission:

Labcorp Genetics (formerly Invitae), Labcorp
Classification: Uncertain significance for Progressive sclerosing poliodystrophy. Last evaluated: 2019-07-30. Review status: criteria provided, single submitter. Criteria: Invitae Variant Classification Sherloc (09022015). Collection method: clinical testing. Allele origin: germline.
Comment: This variant has not been reported in the literature in individuals with POLG-related disease. Experimental studies and prediction algorithms are not available for this variant, and the functional significance of the extended amino acids is currently unknown. In summary, the available evidence is currently insufficient to determine the role of this variant in disease. Therefore, it has been classified as a Variant of Uncertain Significance. This sequence change results in a premature translational stop signal in the POLG gene (p.Pro1239Hisfs*54). While this is not anticipated to result in nonsense mediated decay, it is expected to extend the POLG protein by 53 amino acids. This variant is not present in population databases (ExAC no frequency).

NM_002693.3(POLG):c.3716del (p.Pro1239fs)

Genes: FANCI (FA complementation group I; plus strand), POLG (DNA polymerase gamma, catalytic subunit; minus strand). Cytogenetic location: 15q26.1.
Variant type: Deletion.
Coding change: c.3716del on transcript NM_002693.3 (MANE Select); coding-DNA position 3716, one base deleted (C; older notation c.3716delC).
Protein change: p.Pro1239fs; shifts the reading frame from proline 1239.
Molecular consequence: frameshift variant. On other transcripts: 3 prime UTR variant (4).
Genome position (GRCh38, 1-based): chr15:89,316,755, G deleted on the plus strand (C on the coding strand, the reverse complement: POLG is on the minus strand); the first of 2 consecutive G bases (chr15:89,316,755-89,316,756); deleting either gives the same sequence. VCF-style (leftmost placement, unchanged base first): chr15-89316754-TG-T. GRCh37 (hg19) VCF-style: chr15-89859985-TG-T.
Other names: c.3716delC (NM_002693.2); c.3716del, p.Pro1239fs (NM_001126131.2); c.3715delC, p.Pro1239Hisfs (NM_002693.2); c.*297del (NM_001113378.2, NM_001376910.1, NM_001376911.1 and 1 more transcripts); short protein forms P1239fs.
Identifiers: ClinVar variation 528384 (VCV000528384.11), dbSNP rs1555452076, ClinGen allele CA658798416.